The following is an entry in ClinVar:

NM_004415.4(DSP):c.2794-1G>A

Gene: DSP (desmoplakin; plus strand). Cytogenetic location: 6p24.3.
Variant type: single nucleotide variant.
Coding change: c.2794-1G>A on transcript NM_004415.4 (MANE Select); the canonical splice acceptor site of the intron before coding-DNA position 2794, G replaced by A.
Molecular consequence: splice acceptor variant.
Genome position (GRCh38, 1-based): chr6:7,576,958, G>A. VCF-style: chr6-7576958-G-A. GRCh37 (hg19) VCF-style: chr6-7577191-G-A.
Other names: c.2794-1G>A (NM_001319034.2, NM_001008844.3).
Identifiers: ClinVar variation 936410 (VCV000936410.6), dbSNP rs1759258675, ClinGen allele CA362682156.
Genomic context (GRCh38, chr6:7,576,958, plus strand): 5'-CACATTTATTTAAAAATATTTGTATGCATTAACATTGGTAAATATTTCACTTTTTGTATA[G>A]AACTTGCACAGTGAAATATCTGGCAAACGAGACAAATCAGAGGAAGTACAAAAAATTGCT-3'

ClinVar aggregate classification (germline): Likely pathogenic (1 of 4 stars; one submission).

Conditions:
Arrhythmogenic right ventricular dysplasia 8 (ARVD8). Also called: ARRHYTHMOGENIC RIGHT VENTRICULAR DYSPLASIA, FAMILIAL, 8; ARRHYTHMOGENIC RIGHT VENTRICULAR CARDIOMYOPATHY 8; Arrhythmogenic Right Ventricular Dysplasia/Cardiomyopathy 8. Identifiers: MedGen C1843896, MONDO:0011831, OMIM 607450.
Arrhythmogenic cardiomyopathy with wooly hair and keratoderma. Also called: Carvajal syndrome; Dilated cardiomyopathy with woolly hair and keratoderma; PALMOPLANTAR KERATODERMA WITH LEFT VENTRICULAR CARDIOMYOPATHY AND WOOLLY HAIR; Arrhythmogenic cardiomyopathy with woolly hair and keratoderma. Identifiers: Orphanet 65282, MedGen C1854063, MONDO:0011581, OMIM 605676.

Submission:

Labcorp Genetics (formerly Invitae), Labcorp
Classification: Likely pathogenic for Arrhythmogenic cardiomyopathy with wooly hair and keratoderma; Arrhythmogenic right ventricular dysplasia 8. Last evaluated: 2025-07-28. Review status: criteria provided, single submitter. Criteria: Invitae Variant Classification Sherloc (09022015). Collection method: clinical testing. Allele origin: germline.
Comment: This sequence change affects an acceptor splice site in intron 19 of the DSP gene. It is expected to disrupt RNA splicing. Variants that disrupt the donor or acceptor splice site typically lead to a loss of protein function (PMID: 16199547), and loss-of-function variants in DSP are known to be pathogenic (PMID: 20716751, 24503780, 25227139). This variant is not present in population databases (gnomAD no frequency). This variant has not been reported in the literature in individuals affected with DSP-related conditions. ClinVar contains an entry for this variant (Variation ID: 936410). Algorithms developed to predict the effect of sequence changes on RNA splicing suggest that this variant may disrupt the consensus splice site. In summary, the currently available evidence indicates that the variant is pathogenic, but additional data are needed to prove that conclusively. Therefore, this variant has been classified as Likely Pathogenic.

Literature cited by the submitters: PubMed 16199547; PubMed 20716751; PubMed 24503780; PubMed 25227139.